The following is an entry in ClinVar:

ClinVar aggregate classification (germline): Uncertain significance. Review status: criteria provided, multiple submitters, no conflicts (2 of 4 stars). 3 submissions from 3 submitters: Uncertain significance (3). Last evaluated 2025-09-28.

Conditions:
Inborn genetic diseases. Identifiers: MedGen C0950123, MeSH D030342.
Vitelliform macular dystrophy 2. Also called: VITELLIFORM MACULAR DYSTROPHY, EARLY-ONSET; VITELLIFORM MACULAR DYSTROPHY, JUVENILE-ONSET; Best vitelliform macular dystrophy, multifocal; MACULAR DEGENERATION, POLYMORPHIC VITELLINE; Best Macular Dystrophy; Best Vitelliform Macular Dystrophy (BVMD). Identifiers: Orphanet 1243, MedGen C2745945, MONDO:0007931, OMIM 153700.
Autosomal recessive bestrophinopathy. Also called: Autosomal Recessive Bestrophinopathy (ARB). Identifiers: Orphanet 139455, MedGen C3888198, MONDO:0012733, OMIM 611809.
Autosomal dominant vitreoretinochoroidopathy. Also called: VITREORETINOCHOROIDOPATHY WITH MICROCORNEA, GLAUCOMA, AND CATARACT; VITREORETINOCHOROIDOPATHY, AUTOSOMAL DOMINANT, WITH NANOPHTHALMOS; Autosomal Dominant Vitreoretinochoroidopathy (ADVIRC). Identifiers: Orphanet 263347, Orphanet 3086, MedGen C3888099, MONDO:0008662, OMIM 193220.
Retinitis pigmentosa 50 (RP50). Also called: Retinitis pigmentosa, concentric. Identifiers: Orphanet 791, MedGen C2750789, MONDO:0013175, OMIM 613194.

Allele frequency attached by ClinVar (database versions not stated): gnomAD exomes below 0.00001 and 0.00001; TOPMed below 0.00001.
gnomAD v4.1: 6 of 1,614,220 alleles (0.00037%); highest among the groups gnomAD compares: East Asian, 0.0022%; no homozygotes.

Submissions (3):

Labcorp Genetics (formerly Invitae), Labcorp
Classification: Uncertain significance. Last evaluated: 2025-09-28. Review status: criteria provided, single submitter. Criteria: Invitae Variant Classification Sherloc (09022015). Collection method: clinical testing. Allele origin: germline.
Comment: This sequence change replaces lysine, which is basic and polar, with arginine, which is basic and polar, at codon 511 of the BEST1 protein (p.Lys511Arg). This variant is present in population databases (no rsID available, gnomAD 0.003%). This variant has not been reported in the literature in individuals affected with BEST1-related conditions. ClinVar contains an entry for this variant (Variation ID: 1018244). An algorithm developed to predict the effect of missense changes on protein structure and function outputs the following: PolyPhen-2: "Benign". The arginine amino acid residue is found in multiple mammalian species, which suggests that this missense change does not adversely affect protein function. In summary, the available evidence is currently insufficient to determine the role of this variant in disease. Therefore, it has been classified as a Variant of Uncertain Significance.

Ambry Genetics
Classification: Uncertain significance for Inborn genetic diseases. Last evaluated: 2025-05-01. Review status: criteria provided, single submitter. Criteria: Ambry Variant Classification Scheme 2023. Collection method: clinical testing. Allele origin: germline.

Fulgent Genetics
Classification: Uncertain significance for Vitelliform macular dystrophy 2; Autosomal dominant vitreoretinochoroidopathy; Autosomal recessive bestrophinopathy; Retinitis pigmentosa 50. Last evaluated: 2022-03-25. Review status: criteria provided, single submitter. Criteria: ACMG Guidelines, 2015. Collection method: clinical testing. Allele origin: unknown.

NM_004183.4(BEST1):c.1532A>G (p.Lys511Arg)

Gene: BEST1 (bestrophin 1; plus strand). Cytogenetic location: 11q12.3.
Variant type: single nucleotide variant.
Coding change: c.1532A>G on transcript NM_004183.4 (MANE Select); coding-DNA position 1532, A replaced by G.
Protein change: p.Lys511Arg; replaces lysine 511 with arginine.
Molecular consequence: missense variant. On other transcripts: non-coding transcript variant (1).
Genome position (GRCh38, 1-based): chr11:61,962,686, A>G. VCF-style: chr11-61962686-A-G. GRCh37 (hg19) VCF-style: chr11-61730158-A-G.
Other names: c.1532A>G (NM_004183.3); c.1352A>G, p.Lys451Arg (NM_001139443.3, NM_001300787.2); c.1271A>G, p.Lys424Arg (NM_001300786.2); c.1214A>G, p.Lys405Arg (NM_001363591.3); c.*427A>G (NM_001363592.2); c.560A>G, p.Lys187Arg (NM_001363593.3); short protein forms K187R, K405R, K424R, K451R, K511R.
Identifiers: ClinVar variation 1018244 (VCV001018244.11), dbSNP rs1199787091, ClinGen allele CA380849426.
Genomic context (GRCh38, chr11:61,962,686, plus strand): 5'-GTGTCACAGGCATAGACACCAAAGACAAAAGCTTAAAGACTGTGAGTTCTGGGGCCAAGA[A>G]AAGTTTTGAATTGCTCTCAGAGAGCGATGGGGCCTTGATGGAGCACCCAGAAGTATCTCA-3'
Protein context (NP_004174.1, residues 501-521): SLKTVSSGAK[Lys511Arg]SFELLSESDG